The following is an entry in ClinVar:

ClinVar aggregate classification (germline): Pathogenic. Review status: criteria provided, single submitter (1 of 4 stars). 2 submissions from 2 submitters: Pathogenic (1). 1 of the submissions does not count toward it. Last evaluated 2024-06-07.

Conditions:
Mucopolysaccharidosis, MPS-II (MPS2). Also called: IDS deficiency; Sulfoiduronate sulfatase deficiency; SIDS deficiency; Hunter Syndrome; IDURONATE 2-SULFATASE DEFICIENCY; Mucopolysaccharidosis Type II. Identifiers: Orphanet 580, Orphanet 79388, MedGen C0026705, MONDO:0010674, OMIM 309900.

Submissions (2):

Laboratory of Diagnosis and Therapy of Lysosomal Disorders, University of Padova
Classification: Pathogenic for Mucopolysaccharidosis, MPS-II. Last evaluated: 2024-06-07. Review status: criteria provided, single submitter. Criteria: ACMG Guidelines, 2015. Collection method: literature only. Allele origin: germline. Affected: yes. Observed: 3 variant alleles.
Comment: Null variant (PVS1_Strong), In vitro or in vivo functional studies supportive of a damaging effect (PS3_Moderate), Absent from controls (or at low frequency) in gnomAD database (PM2_Moderate), Patient’s phenotype or family history highly specific for the disease (PP4_Moderate)

Classification method: ACMG Guidelines [PMID:25741868] with modifications

Division of Medical Genetics, Department of Pediatrics, All India Institute of Medical Sciences, New Delhi
Classification: Likely pathogenic for Mucopolysaccharidosis, MPS-II. Last evaluated: 2014-10-01. Review status: no assertion criteria provided. Collection method: research. Allele origin: germline. Inheritance: X-linked recessive inheritance. Affected: yes. Observed: 1 variant allele, 1 hemizygote. Not counted in ClinVar's aggregate classification.
Comment: The change c.1375G>T (p.E459*) was found to be a nonsense variant, where the polar neutral amino acid Glutamine at 459 position was substituted by stop codon leading to early truncation of the peptide. In silico analysis by the web tool Mutation Taster characterise it as a "Disease causing" pathogenic variant.

Literature cited by the submitters: PubMed 35144014 (cited by Laboratory of Diagnosis and Therapy of Lysosomal Disorders, University of Padova); PubMed 33676511 (cited by Laboratory of Diagnosis and Therapy of Lysosomal Disorders, University of Padova); PubMed 28543354 (cited by Laboratory of Diagnosis and Therapy of Lysosomal Disorders, University of Padova).

NM_000202.8(IDS):c.1375G>T (p.Glu459Ter)

Gene: IDS (iduronate 2-sulfatase; minus strand). Cytogenetic location: Xq28.
Variant type: single nucleotide variant.
Coding change: c.1375G>T on transcript NM_000202.8 (MANE Select); coding-DNA position 1375, G replaced by T.
Protein change: p.Glu459Ter; replaces glutamic acid 459 with a stop codon.
Molecular consequence: nonsense.
Genome position (GRCh38, 1-based): chrX:149,483,024, C>A on the plus strand (G>T on the coding strand, the complement: IDS is on the minus strand). VCF-style: chrX-149483024-C-A. GRCh37 (hg19) VCF-style: chrX-148564555-C-A.
Other names: c.1105G>T, p.Glu369Ter (NM_001166550.4); short protein forms E369*, E459*.
Identifiers: ClinVar variation 1065331 (VCV001065331.4), dbSNP rs2123994508, ClinGen allele CA414518228.
Genomic context (GRCh38, chrX:149,483,024, plus strand): 5'-TGTCAGAATTCCACTGAGGGATGTCTGAAGGCCGGGGATACTGGCTATAGGCAATCAGTT[C>A]ACGGGGATTACCAGGGAGGTACGGATCCTCTTCCAAGTCACGGAATCGAAAATGCTTCAG-3'